The following is an entry in ClinVar:

ClinVar aggregate classification (germline): Uncertain significance (1 of 4 stars; one submission).

Submission:

Greenwood Genetic Center Diagnostic Laboratories, Greenwood Genetic Center
Classification: Uncertain significance. Last evaluated: 2026-05-15. Review status: criteria provided, single submitter. Criteria: ACMG Guidelines, 2015. Collection method: clinical testing. Allele origin: germline.
Comment: PM2, BP4

NM_001113378.2(FANCI):c.3925-28T>C

Genes: FANCI (FA complementation group I; plus strand), POLG (DNA polymerase gamma, catalytic subunit; minus strand). Cytogenetic location: 15q26.1.
Variant type: single nucleotide variant.
Coding change: c.3925-28T>C on transcript NM_001113378.2 (MANE Select); 28 bases into the intron before coding-DNA position 3925, T replaced by C.
Molecular consequence: intron variant. On other transcripts: 3 prime UTR variant (2).
Genome position (GRCh38, 1-based): chr15:89,316,369, T>C. VCF-style: chr15-89316369-T-C. GRCh37 (hg19) VCF-style: chr15-89859600-T-C.
Other names: c.*382A>G (NM_001126131.2, NM_002693.3); c.3745-28T>C (NM_018193.3); c.3925-28T>C (NM_001376911.1); c.3646-28T>C (NM_001376910.1).
Identifiers: ClinVar variation 4891080 (VCV004891080.1).